The following is an entry in ClinVar:

NM_001349253.2(SCN11A):c.1370dup (p.Arg458fs)

Gene: SCN11A (sodium voltage-gated channel alpha subunit 11; minus strand). Cytogenetic location: 3p22.2.
Variant type: Duplication.
Coding change: c.1370dup on transcript NM_001349253.2 (MANE Select); coding-DNA position 1370, one base duplicated (A; older notation c.1370dupA).
Protein change: p.Arg458fs; shifts the reading frame from arginine 458.
Molecular consequence: frameshift variant.
Genome position (GRCh38, 1-based): chr3:38,908,052, T duplicated on the plus strand (A on the coding strand, the reverse complement: SCN11A is on the minus strand); the first of 6 consecutive T bases (chr3:38,908,052-38,908,057); duplicating any one gives the same sequence. VCF-style (leftmost placement, unchanged base first): chr3-38908051-C-CT. GRCh37 (hg19) VCF-style: chr3-38949542-C-CT.
Other names: c.1370dup, p.Arg458fs (NM_014139.3); short protein forms R458fs.
Identifiers: ClinVar variation 1515769 (VCV001515769.6), dbSNP rs1483842671, ClinGen allele CA542616094.
Genomic context (GRCh38, chr3:38,908,051, plus strand): 5'-GTCTTTCCCAGACTCTCTCAAAAAGAAGGACTTCCTTTTCTTATTACCAAAGAGCTTTCT[C>CT]TTTTTTGGGGTAAAATATGATGTTTCAAGGGAAGTAAGTGAACTTCTGTCAATTCCCATG-3'

ClinVar aggregate classification (germline): Uncertain significance (1 of 4 stars; one submission).

Conditions:
Hereditary sensory and autonomic neuropathy type 7. Also called: Neuropathy, hereditary sensory and autonomic, type VII; HSAN VII. Identifiers: Orphanet 391397, MedGen C3809882, MONDO:0014244, OMIM 615548.
Familial episodic pain syndrome with predominantly lower limb involvement. Also called: Episodic pain syndrome, familial, 3. Identifiers: Orphanet 391384, Orphanet 391392, MedGen C3809899, MONDO:0014247, OMIM 615552.

Submission:

Labcorp Genetics (formerly Invitae), Labcorp
Classification: Uncertain significance for Familial episodic pain syndrome with predominantly lower limb involvement; Hereditary sensory and autonomic neuropathy type 7. Last evaluated: 2021-11-28. Review status: criteria provided, single submitter. Criteria: Invitae Variant Classification Sherloc (09022015). Collection method: clinical testing. Allele origin: germline.
Comment: This sequence change creates a premature translational stop signal (p.Arg458Glufs*6) in the SCN11A gene. It is expected to result in an absent or disrupted protein product. However, the current clinical and genetic evidence is not sufficient to establish whether loss-of-function variants in SCN11A cause disease. The frequency data for this variant in the population databases is considered unreliable, as metrics indicate poor data quality at this position in the gnomAD database. This variant has not been reported in the literature in individuals affected with SCN11A-related conditions. In summary, the available evidence is currently insufficient to determine the role of this variant in disease. Therefore, it has been classified as a Variant of Uncertain Significance.